The following is an entry in ClinVar:

ClinVar aggregate classification (germline): Pathogenic (1 of 4 stars; one submission).

Submission:

Labcorp Genetics (formerly Invitae), Labcorp
Classification: Pathogenic. Last evaluated: 2023-03-01. Review status: criteria provided, single submitter. Criteria: Invitae Variant Classification Sherloc (09022015). Collection method: clinical testing. Allele origin: germline.
Comment: This sequence change creates a premature translational stop signal (p.Gln287Argfs*34) in the CEACAM16 gene. It is expected to result in an absent or disrupted protein product. Loss-of-function variants in CEACAM16 are known to be pathogenic (PMID: 29703829, 30514912). This variant is present in population databases (rs754747851, gnomAD 0.01%). This premature translational stop signal has been observed in individual(s) with clinical features of CEACAM16-related conditions (PMID: 28000701). ClinVar contains an entry for this variant (Variation ID: 2138305). For these reasons, this variant has been classified as Pathogenic.

Literature cited by the submitters: PubMed 29703829; PubMed 30514912; PubMed 28000701.

NM_001039213.4(CEACAM16):c.859del (p.Gln287fs)

Genes: CEACAM16 (CEA cell adhesion molecule 16, tectorial membrane component; plus strand), CEACAM16-AS1 (CEACAM16, CEACAM19 and PVR antisense RNA 1; minus strand). Cytogenetic location: 19q13.32.
Variant type: Deletion.
Coding change: c.859del on transcript NM_001039213.4 (MANE Select); coding-DNA position 859, one base deleted (C; older notation c.859delC).
Protein change: p.Gln287fs; shifts the reading frame from glutamine 287.
Molecular consequence: frameshift variant.
Genome position (GRCh38, 1-based): chr19:44,705,787, C deleted; the last of 3 consecutive C bases (chr19:44,705,785-44,705,787); deleting any one gives the same sequence. VCF-style (leftmost placement, unchanged base first): chr19-44705784-GC-G. GRCh37 (hg19) VCF-style: chr19-45209054-GC-G.
Other names: short protein forms Q287fs.
Identifiers: ClinVar variation 2138305 (VCV002138305.2), dbSNP rs754747851, ClinGen allele CA9503161.
Genomic context (GRCh38, chr19:44,705,784, plus strand): 5'-TTCAACGGGCAGGCCCTAAAGAACGGCCAAGACCACCTCAACATCAGCAGCATGACAGCC[GC>G]CCAGGAGGGGACGTACACATGTATTGCGAAGAACACCAAGACCCTGCTATCTGGATCTGC-3'